The following is an entry in ClinVar:

NM_138420.4(AHNAK2):c.8037A>G (p.Glu2679=)

Gene: AHNAK2 (AHNAK nucleoprotein 2; minus strand). Cytogenetic location: 14q32.33.
Variant type: single nucleotide variant.
Coding change: c.8037A>G on transcript NM_138420.4 (MANE Select); coding-DNA position 8037, A replaced by G.
Protein change: p.Glu2679=; no amino-acid change (glutamic acid 2679 retained).
Molecular consequence: synonymous variant.
Genome position (GRCh38, 1-based): chr14:104,947,414, T>C on the plus strand (A>G on the coding strand, the complement: AHNAK2 is on the minus strand). VCF-style: chr14-104947414-T-C. GRCh37 (hg19) VCF-style: chr14-105413751-T-C.
Other names: c.7737A>G, p.Glu2579= (NM_001350929.2).
Identifiers: ClinVar variation 2644710 (VCV002644710.24), dbSNP rs376024886, ClinGen allele CA7380274.

ClinVar aggregate classification (germline): Likely benign (1 of 4 stars; one submission).

Allele frequency attached by ClinVar (database versions not stated): gnomAD exomes 0.00003; ExAC 0.00007; ESP Exome Variant Server 0.00008.

Submission:

CeGaT Center for Human Genetics Tuebingen
Classification: Likely benign. Last evaluated: 2022-06-01. Review status: criteria provided, single submitter. Criteria: CeGaT Center For Human Genetics Tuebingen Variant Classification Criteria Version 2. Collection method: clinical testing. Allele origin: germline. Affected: yes. Observed: 1 variant allele.
Comment: AHNAK2: BP4, BP7